The following is an entry in ClinVar:

NM_033124.5(DRC2):c.875A>G (p.Tyr292Cys)

Gene: DRC2 (dynein regulatory complex subunit 2; plus strand). Cytogenetic location: 12q13.12.
Variant type: single nucleotide variant.
Coding change: c.875A>G on transcript NM_033124.5 (MANE Select); coding-DNA position 875, A replaced by G.
Protein change: p.Tyr292Cys; replaces tyrosine 292 with cysteine.
Molecular consequence: missense variant.
Genome position (GRCh38, 1-based): chr12:48,918,752, A>G. VCF-style: chr12-48918752-A-G. GRCh37 (hg19) VCF-style: chr12-49312535-A-G.
Other names: c.446A>G, p.Tyr149Cys (NM_001286957.2); short protein forms Y292C, Y149C.
Identifiers: ClinVar variation 474644 (VCV000474644.7), dbSNP rs1223874594, ClinGen allele CA384631208.
Genomic context (GRCh38, chr12:48,918,752, plus strand): 5'-TAACTATTTCAAAAGGCAAGATCATGATACACAGCCGTGAGAGTGAAGATGAGAACCGGT[A>G]TATCCGTAATGACAAGGAATTGGTCCTTGTACAACTGCGAAAACTTAAGGCCCAAAGAAC-3'
Protein context (NP_149115.2, residues 282-302): HSRESEDENR[Tyr292Cys]IRNDKELVLV

ClinVar aggregate classification (germline): Uncertain significance (1 of 4 stars; one submission).

Conditions:
Primary ciliary dyskinesia 27. Also called: CILIARY DYSKINESIA, PRIMARY, 27, WITHOUT SITUS INVERSUS. Identifiers: Orphanet 244, MedGen C3809701, MONDO:0014215, OMIM 615504.

Allele frequency attached by ClinVar (database versions not stated): gnomAD exomes 0.00001 and below 0.00001.
gnomAD v4.1: 2 of 1,613,756 alleles (0.00012%); highest among the groups gnomAD compares: Admixed American, 0.0033%; no homozygotes.

Submission:

Labcorp Genetics (formerly Invitae), Labcorp
Classification: Uncertain significance for Primary ciliary dyskinesia 27. Last evaluated: 2017-05-26. Review status: criteria provided, single submitter. Criteria: Invitae Variant Classification Sherloc (09022015). Collection method: clinical testing. Allele origin: germline.
Comment: This sequence change replaces tyrosine with cysteine at codon 292 of the CCDC65 protein (p.Tyr292Cys). The tyrosine residue is weakly conserved and there is a large physicochemical difference between tyrosine and cysteine. This variant is not present in population databases (ExAC no frequency). This variant has not been reported in the literature in individuals with a CCDC65-related disease. Algorithms developed to predict the effect of missense changes on protein structure and function output the following: SIFT: "Tolerated"; PolyPhen-2: "Benign"; Align-GVGD: "Class C0". The cysteine amino acid residue is found in multiple mammalian species, suggesting that this missense change does not adversely affect protein function. These predictions have not been confirmed by published functional studies and their clinical significance is uncertain. In summary, this variant has uncertain impact on CCDC65 function. The available evidence is currently insufficient to determine its role in disease. Therefore, it has been classified as a Variant of Uncertain Significance.